The following is an entry in ClinVar:

ClinVar aggregate classification (germline): Pathogenic/Likely pathogenic. Review status: criteria provided, multiple submitters, no conflicts (2 of 4 stars). 5 submissions from 5 submitters: Pathogenic (4); Likely pathogenic (1). Last evaluated 2025-01-10.

Conditions:
Anemia, nonspherocytic hemolytic, due to G6PD deficiency (CNSHA1). Also called: ANEMIA, CONGENITAL, NONSPHEROCYTIC HEMOLYTIC, 1; Hemolytic anemia due to G6PD deficiency; Class I glucose-6-phosphate dehydrogenase deficiency; Favism, susceptibility to. Identifiers: Orphanet 466026, MedGen C2720289, MONDO:0010480, OMIM 300908.

Submissions (5):

Revvity Omics, Revvity
Classification: Pathogenic for Anemia, nonspherocytic hemolytic, due to G6PD deficiency. Last evaluated: 2025-01-10. Review status: criteria provided, single submitter. Criteria: ACMG Guidelines, 2015. Collection method: clinical testing. Allele origin: germline.

Mayo Clinic Laboratories, Mayo Clinic
Classification: Likely pathogenic. Last evaluated: 2024-12-10. Review status: criteria provided, single submitter. Criteria: ACMG Guidelines, 2015. Collection method: clinical testing. Allele origin: germline. Observed: 2 variant alleles.
Comment: PP3, PP4, PM1, PM2_moderate

Neuberg Centre For Genomic Medicine, NCGM
Classification: Pathogenic for Anemia, nonspherocytic hemolytic, due to G6PD deficiency. Last evaluated: 2023-05-20. Review status: criteria provided, single submitter. Criteria: ACMG Guidelines, 2015. Collection method: clinical testing. Allele origin: germline. Inheritance: X-linked inheritance. Affected: yes.
Comment: The observed missense variant c.1192G>A(p.Glu398Lys) in the G6PD gene has been reported previously in individual(s) with G6PD deficiency (Tong Y, et al., 2020). This variant is located in a mutational hot spot. A different amino acid change [c.1193A>G (p.Glu398Gly)] at the same position has been submitted to ClinVar as likely pathogenic. This variant is absent in the gnomAD Exomes. This variant has been reported to the ClinVar database as Pathogenic. The amino acid Glutamic acid at position 398 is changed to a Lysine changing protein sequence and it might alter its composition and physico-chemical properties. Multiple lines of computational evidence (Polyphen - Possibly damaging, SIFT – Damaging and MutationTaster - Disease causing) predict a damaging effect on protein structure and function for this variant. The residue is conserved by GERP++ and PhyloP across 100 vertebrates. For these reasons, this variant has been classified as Pathogenic.

Dunham Lab, University of Washington
Classification: Pathogenic for Anemia, nonspherocytic hemolytic, due to G6PD deficiency. Last evaluated: 2022-08-12. Review status: criteria provided, single submitter. Criteria: Bayesian ACMG Guidelines, 2018. Collection method: curation. Allele origin: maternal. Affected: yes.
Comment: Variant found in unrelated hemizygotes with deficiency and CNSHA (PS4_M, PP4). In one family, heizygous brothers both have deficiency CNSHA, and mother is heterozygous (PP1). Undetectable activity in red blood cells (PS3). Within dimer interface (PM1). Not found in gnomAD (PM2). Reported as pathogenic by Mendelics (PP5). Post_P 0.999 (odds of pathogenicity 13661, Prior_P 0.1).

Mendelics
Classification: Pathogenic for Anemia, nonspherocytic hemolytic, due to G6PD deficiency. Last evaluated: 2019-05-28. Review status: criteria provided, single submitter. Criteria: Mendelics Assertion Criteria 2017. Collection method: clinical testing. Allele origin: unknown.

Literature cited by the submitters: PubMed 7160841 (cited by Dunham Lab, University of Washington); PubMed 10571945 (cited by Dunham Lab, University of Washington); PubMed 31294066 (cited by Dunham Lab, University of Washington).

NM_001360016.2(G6PD):c.1192G>A (p.Glu398Lys)

Gene: G6PD (glucose-6-phosphate dehydrogenase; minus strand). Cytogenetic location: Xq28.
Variant type: single nucleotide variant.
Coding change: c.1192G>A on transcript NM_001360016.2 (MANE Select); coding-DNA position 1192, G replaced by A.
Protein change: p.Glu398Lys; replaces glutamic acid 398 with lysine.
Molecular consequence: missense variant.
Genome position (GRCh38, 1-based): chrX:154,532,662, C>T on the plus strand (G>A on the coding strand, the complement: G6PD is on the minus strand). VCF-style: chrX-154532662-C-T. GRCh37 (hg19) VCF-style: chrX-153760877-C-T.
Other names: G6PD Puerto Limon; p.Glu398Lys; c.1282G>A, p.Glu428Lys (NM_000402.4); c.1192G>A, p.Glu398Lys (NM_001042351.3); short protein forms E428K, E398K.
Identifiers: ClinVar variation 804134 (VCV000804134.8), dbSNP rs137852325, ClinGen allele CA337316269.